The following is an entry in ClinVar:

NM_001164760.2(PRKAR1B):c.642C>T (p.Thr214=)

Gene: PRKAR1B (protein kinase cAMP-dependent type I regulatory subunit beta; minus strand). Cytogenetic location: 7p22.3.
Variant type: single nucleotide variant.
Coding change: c.642C>T on transcript NM_001164760.2 (MANE Select); coding-DNA position 642, C replaced by T.
Protein change: p.Thr214=; no amino-acid change (threonine 214 retained).
Molecular consequence: synonymous variant.
Genome position (GRCh38, 1-based): chr7:596,212, G>A on the plus strand (C>T on the coding strand, the complement: PRKAR1B is on the minus strand). VCF-style: chr7-596212-G-A. GRCh37 (hg19) VCF-style: chr7-635849-G-A.
Other names: p.Thr214=; c.642C>T, p.Thr214= (NM_001164758.2, NM_001164759.1, NM_001164761.2 and 2 more transcripts).
Identifiers: ClinVar variation 788669 (VCV000788669.32), dbSNP rs76061469, ClinGen allele CA4110024.

ClinVar aggregate classification (germline): Benign/Likely benign. Review status: criteria provided, multiple submitters, no conflicts (2 of 4 stars). 6 submissions from 6 submitters: Benign (2); Likely benign (1). 3 of the submissions do not count toward it. Last evaluated 2026-09-01.

Conditions:
PRKAR1B-related disorder. Also called: PRKAR1B-related condition.

Allele frequency attached by ClinVar (database versions not stated): 1000 Genomes Project 0.00100; 1000 Genomes Project 30x 0.00109; TOPMed 0.00157; gnomAD 0.00166; ESP Exome Variant Server 0.00169.
gnomAD v4.1: 3,199 of 1,614,020 alleles (0.2%); highest among the groups gnomAD compares: Non-Finnish European, 0.24%; 4 homozygotes.

Submissions (6):

CeGaT Center for Human Genetics Tuebingen
Classification: Likely benign. Last evaluated: 2026-09-01. Review status: criteria provided, single submitter. Criteria: CeGaT Center For Human Genetics Tuebingen Variant Classification Criteria Version 2. Collection method: clinical testing. Allele origin: germline. Affected: yes. Observed: 5 variant alleles.
Comment: PRKAR1B: BP4, BP7

Mayo Clinic Laboratories, Mayo Clinic
Classification: Benign. Last evaluated: 2024-05-16. Review status: criteria provided, single submitter. Criteria: ACMG Guidelines, 2015. Collection method: clinical testing. Allele origin: germline. Observed: 5 variant alleles.
Comment: BS1, BS2, BP4, BP7

Labcorp Genetics (formerly Invitae), Labcorp
Classification: Benign. Last evaluated: 2019-12-31. Review status: criteria provided, single submitter. Criteria: Invitae Variant Classification Sherloc (09022015). Collection method: clinical testing. Allele origin: germline.

PreventionGenetics, part of Exact Sciences
Classification: Likely benign for PRKAR1B-related condition. Last evaluated: 2024-01-10. Review status: no assertion criteria provided. Collection method: clinical testing. Allele origin: germline. Not counted in ClinVar's aggregate classification.
Comment: This variant is classified as likely benign based on ACMG/AMP sequence variant interpretation guidelines (Richards et al. 2015 PMID: 25741868, with internal and published modifications).

Clinical Genetics DNA and cytogenetics Diagnostics Lab, Erasmus MC, Erasmus Medical Center
Classification: Likely benign. Review status: no assertion criteria provided. Collection method: clinical testing. Allele origin: germline. Affected: yes. Study: VKGL Data-share Consensus. Not counted in ClinVar's aggregate classification.

Genome Diagnostics Laboratory, Amsterdam University Medical Center
Classification: Likely benign. Review status: no assertion criteria provided. Collection method: clinical testing. Allele origin: germline. Affected: yes. Study: VKGL Data-share Consensus. Not counted in ClinVar's aggregate classification.